The following is an entry in ClinVar:

NM_001378454.1(ALMS1):c.10228G>T (p.Ala3410Ser)

Gene: ALMS1 (ALMS1 centrosome and basal body associated protein; plus strand). Cytogenetic location: 2p13.1.
Variant type: single nucleotide variant.
Coding change: c.10228G>T on transcript NM_001378454.1 (MANE Select); coding-DNA position 10228, G replaced by T.
Protein change: p.Ala3410Ser; replaces alanine 3410 with serine.
Molecular consequence: missense variant.
Genome position (GRCh38, 1-based): chr2:73,558,986, G>T. VCF-style: chr2-73558986-G-T. GRCh37 (hg19) VCF-style: chr2-73786113-G-T.
Other names: c.10231G>T, p.Ala3411Ser (NM_015120.4); short protein forms A3410S, A3411S.
Identifiers: ClinVar variation 4979264 (VCV004979264.1).

ClinVar aggregate classification (germline): Uncertain significance (1 of 4 stars; one submission).

Conditions:
ALMS1-related disorder. Also called: ALMS1-related condition.

Submission:

PreventionGenetics, part of Exact Sciences
Classification: Uncertain significance for ALMS1-related condition. Last evaluated: 2026-07-21. Review status: criteria provided, single submitter. Criteria: ACMG Guidelines, 2015. Collection method: clinical testing. Allele origin: germline.
Comment: The ALMS1 c.10231G>T variant is predicted to result in the amino acid substitution p.Ala3411Ser. This variant has been reported in the heterozygous state with a variant in the WDPCP gene in an individual with Bardet-Biedl Syndrome, and the authors suggested digenic inheritance (Gnanasekaran et al. 2023. PubMed ID: 37431782). This variant is reported in 0.00088% of alleles in individuals of European (Non-Finnish) descent in gnomAD. At this time, the clinical significance of this variant is uncertain due to the absence of conclusive functional and genetic evidence.